The following is an entry in ClinVar:

NM_004370.6(COL12A1):c.6103G>A (p.Gly2035Ser)

Gene: COL12A1 (collagen type XII alpha 1 chain; minus strand). Cytogenetic location: 6q13.
Variant type: single nucleotide variant.
Coding change: c.6103G>A on transcript NM_004370.6 (MANE Select); coding-DNA position 6103, G replaced by A.
Protein change: p.Gly2035Ser; replaces glycine 2035 with serine.
Molecular consequence: missense variant.
Genome position (GRCh38, 1-based): chr6:75,130,198, C>T on the plus strand (G>A on the coding strand, the complement: COL12A1 is on the minus strand). VCF-style: chr6-75130198-C-T. GRCh37 (hg19) VCF-style: chr6-75839914-C-T.
Other names: c.2611G>A, p.Gly871Ser (NM_080645.3); short protein forms G2035S, G871S.
Identifiers: ClinVar variation 1445269 (VCV001445269.8), dbSNP rs750263276, ClinGen allele CA3892896.

ClinVar aggregate classification (germline): Uncertain significance (1 of 4 stars; one submission).

Conditions:
Ullrich congenital muscular dystrophy 2 (UCMD2). Identifiers: Orphanet 75840, MedGen C4225314, MONDO:0014654, OMIM 616470.
Bethlem myopathy 2 (BTHLM2). Identifiers: Orphanet 536516, Orphanet 610, MedGen C4225313, MONDO:0034022, OMIM 616471.

Allele frequency attached by ClinVar (database versions not stated): gnomAD exomes 0.00001 and 0.00002; ExAC 0.00002.
gnomAD v4.1: 4 of 1,613,920 alleles (0.00025%); highest among the groups gnomAD compares: Admixed American, 0.0017%; no homozygotes.

Submission:

Labcorp Genetics (formerly Invitae), Labcorp
Classification: Uncertain significance for Bethlem myopathy 2; Ullrich congenital muscular dystrophy 2. Last evaluated: 2024-12-10. Review status: criteria provided, single submitter. Criteria: Invitae Variant Classification Sherloc (09022015). Collection method: clinical testing. Allele origin: germline.
Comment: This sequence change replaces glycine, which is neutral and non-polar, with serine, which is neutral and polar, at codon 2035 of the COL12A1 protein (p.Gly2035Ser). This variant is present in population databases (rs750263276, gnomAD 0.003%). This variant has not been reported in the literature in individuals affected with COL12A1-related conditions. ClinVar contains an entry for this variant (Variation ID: 1445269). Invitae Evidence Modeling of protein sequence and biophysical properties (such as structural, functional, and spatial information, amino acid conservation, physicochemical variation, residue mobility, and thermodynamic stability) indicates that this missense variant is not expected to disrupt COL12A1 protein function with a negative predictive value of 80%. In summary, the available evidence is currently insufficient to determine the role of this variant in disease. Therefore, it has been classified as a Variant of Uncertain Significance.